The following is an entry in ClinVar:

NM_000088.4(COL1A1):c.896G>A (p.Gly299Asp)

Genes: COL1A1 (collagen type I alpha 1 chain; minus strand), LOC126862586 (CDK7 strongly-dependent group 2 enhancer GRCh37_chr17:48273702-48274901; plus strand). Cytogenetic location: 17q21.33.
Variant type: single nucleotide variant.
Coding change: c.896G>A on transcript NM_000088.4 (MANE Select); coding-DNA position 896, G replaced by A.
Protein change: p.Gly299Asp; replaces glycine 299 with aspartic acid.
Molecular consequence: missense variant.
Genome position (GRCh38, 1-based): chr17:50,196,491, C>T on the plus strand (G>A on the coding strand, the complement: COL1A1 is on the minus strand). VCF-style: chr17-50196491-C-T. GRCh37 (hg19) VCF-style: chr17-48273852-C-T.
Other names: short protein forms G299D.
Identifiers: ClinVar variation 3338861 (VCV003338861.1).

ClinVar aggregate classification (germline): Pathogenic (1 of 4 stars; one submission).

Submission:

GeneDx
Classification: Pathogenic. Last evaluated: 2024-01-17. Review status: criteria provided, single submitter. Criteria: GeneDx Variant Classification Process June 2021. Collection method: clinical testing. Allele origin: germline. Affected: yes.
Comment: Occurs in the triple helical domain and replaces a glycine in a canonical Gly-X-Y repeat; missense substitution of a canonical glycine residue is expected to disrupt normal protein folding and function, and this is an established mechanism of disease (PMID: 34007986); Not observed at significant frequency in large population cohorts (gnomAD); In silico analysis supports that this missense variant has a deleterious effect on protein structure/function; This variant is associated with the following publications: (PMID: 34007986, 17078022, 33939306, Tian2020[CaseReport])